The following is an entry in ClinVar:

ClinVar aggregate classification (germline): Likely benign. Review status: criteria provided, multiple submitters, no conflicts (2 of 4 stars). 2 submissions from 2 submitters: Likely benign (2). Last evaluated 2025-01-17.

Conditions:
ITGA2-related disorder. Also called: ITGA2-related condition.

gnomAD v4.1: 317 of 1,613,948 alleles (0.02%); highest among the groups gnomAD compares: African/African-American, 0.38%; no homozygotes.

Submissions (2):

PreventionGenetics, part of Exact Sciences
Classification: Likely benign for ITGA2-related condition. Last evaluated: 2025-01-17. Review status: criteria provided, single submitter. Criteria: ACMG Guidelines, 2015. Collection method: clinical testing. Allele origin: germline.
Comment: This variant is classified as likely benign based on ACMG/AMP sequence variant interpretation guidelines (Richards et al. 2015 PMID: 25741868, with internal and published modifications).

Blueprint Genetics
Classification: Likely benign. Last evaluated: 2024-09-16. Review status: criteria provided, single submitter. Criteria: ACMG Guidelines, 2015. Collection method: clinical testing. Allele origin: germline.

NM_002203.4(ITGA2):c.60T>C (p.Ser20=)

Genes: ITGA2-AS1 (ITGA2 antisense RNA 1; minus strand), ITGA2 (integrin subunit alpha 2; plus strand). Cytogenetic location: 5q11.2.
Variant type: single nucleotide variant.
Coding change: c.60T>C on transcript NM_002203.4 (MANE Select); coding-DNA position 60, T replaced by C.
Protein change: p.Ser20=; no amino-acid change (serine 20 retained).
Molecular consequence: synonymous variant. On other transcripts: non-coding transcript variant (5).
Genome position (GRCh38, 1-based): chr5:52,989,528, T>C. VCF-style: chr5-52989528-T-C. GRCh37 (hg19) VCF-style: chr5-52285358-T-C.
Other names: c.60T>C (NM_002203.3).
Identifiers: ClinVar variation 4970316 (VCV004970316.2).